The following is an entry in ClinVar:

ClinVar aggregate classification (germline): Pathogenic/Likely pathogenic. Review status: criteria provided, multiple submitters, no conflicts (2 of 4 stars). 2 submissions from 2 submitters: Pathogenic (1); Likely pathogenic (1). Last evaluated 2025-02-17.

Conditions:
Primary hyperoxaluria, type I (HP1). Also called: GLYCOLIC ACIDURIA; HEPATIC AGT DEFICIENCY; OXALOSIS I; Primary hyperoxaluria type 1. Identifiers: Orphanet 416, Orphanet 93598, MedGen C0268164, MONDO:0009823, OMIM 259900. Disease mechanism: loss of function.

Submissions (2):

Natera, Inc.
Classification: Likely pathogenic for Primary hyperoxaluria type I. Last evaluated: 2025-02-17. Review status: criteria provided, single submitter. Criteria: Natera Variant Classification Schema (03/2026). Collection method: clinical testing. Allele origin: germline.
Comment: The c.252_253del variant in AGXT is a frameshift variant predicted to shift the reading frame beginning at codon 85 and leads to a stop codon 82 codons downstream. This variant is expected to result in nonsense mediated decay, truncation, or a dysfunctional protein product. This variant is rare in the general population with a frequency below the threshold expected for the associated phenotype(s). Given the available evidence, this variant is classified as Likely Pathogenic.

Labcorp Genetics (formerly Invitae), Labcorp
Classification: Pathogenic. Last evaluated: 2022-11-06. Review status: criteria provided, single submitter. Criteria: Invitae Variant Classification Sherloc (09022015). Collection method: clinical testing. Allele origin: germline.
Comment: For these reasons, this variant has been classified as Pathogenic. This variant has not been reported in the literature in individuals affected with AGXT-related conditions. This variant is not present in population databases (gnomAD no frequency). This sequence change creates a premature translational stop signal (p.Ala85Profs*82) in the AGXT gene. It is expected to result in an absent or disrupted protein product. Loss-of-function variants in AGXT are known to be pathogenic (PMID: 19479957).

Literature cited by the submitters: PubMed 19479957 (cited by Labcorp Genetics (formerly Invitae), Labcorp).

NM_000030.3(AGXT):c.252_253del (p.Ala85fs)

Gene: AGXT (alanine--glyoxylate aminotransferase; plus strand). Cytogenetic location: 2q37.3.
Variant type: Microsatellite.
Coding change: c.252_253del on transcript NM_000030.3 (MANE Select); coding-DNA positions 252 to 253, 2 bases deleted (TG; older notation c.252_253delTG).
Protein change: p.Ala85fs; shifts the reading frame from alanine 85.
Molecular consequence: frameshift variant.
Genome position (GRCh38, 1-based): chr2:240,869,256-240,869,257, TG deleted; deleting any 2 consecutive bases within chr2:240,869,254-240,869,257 gives the same sequence; the c. name uses the placement nearest the transcript's 3' end. VCF-style (leftmost placement, unchanged base first): chr2-240869253-CTG-C. GRCh37 (hg19) VCF-style: chr2-241808670-CTG-C.
Other names: c.252_253del (NM_000030.2); short protein forms A85fs.
Identifiers: ClinVar variation 2812393 (VCV002812393.7), dbSNP rs2058978377, ClinGen allele CA1044064977.